The following is an entry in ClinVar:

NM_031924.8(RSPH3):c.-81C>G

Gene: RSPH3 (radial spoke head 3; minus strand). Cytogenetic location: 6q25.3.
Variant type: single nucleotide variant.
Coding change: c.-81C>G on transcript NM_031924.8 (MANE Select); 81 bases upstream of the start codon, C replaced by G.
Molecular consequence: 5 prime UTR variant. On other transcripts: missense variant (1), non-coding transcript variant (1).
Genome position (GRCh38, 1-based): chr6:158,999,631, G>C on the plus strand (C>G on the coding strand, the complement: RSPH3 is on the minus strand). VCF-style: chr6-158999631-G-C. GRCh37 (hg19) VCF-style: chr6-159420663-G-C.
Other names: c.346C>G, p.Leu116Val (NM_001346418.1); short protein forms L116V.
Identifiers: ClinVar variation 1380390 (VCV001380390.8), dbSNP rs2114733021, ClinGen allele CA366285347.

ClinVar aggregate classification (germline): Uncertain significance (1 of 4 stars; one submission).

Conditions:
Primary ciliary dyskinesia 32. Also called: CILIARY DYSKINESIA, PRIMARY, 32, WITHOUT SITUS INVERSUS. Identifiers: Orphanet 244, MedGen C4225311, MONDO:0014657, OMIM 616481.

Allele frequency attached by ClinVar (database versions not stated): gnomAD exomes 0.00001.
gnomAD v4.1: 3 of 1,614,046 alleles (0.00019%); highest among the groups gnomAD compares: African/African-American, 0.0013%; no homozygotes.

Submission:

Labcorp Genetics (formerly Invitae), Labcorp
Classification: Uncertain significance for Primary ciliary dyskinesia 32. Last evaluated: 2022-07-26. Review status: criteria provided, single submitter. Criteria: Invitae Variant Classification Sherloc (09022015). Collection method: clinical testing. Allele origin: germline.
Comment: This sequence change replaces leucine, which is neutral and non-polar, with valine, which is neutral and non-polar, at codon 116 of the RSPH3 protein (p.Leu116Val). This variant is not present in population databases (gnomAD no frequency). This variant has not been reported in the literature in individuals affected with RSPH3-related conditions. ClinVar contains an entry for this variant (Variation ID: 1380390). Algorithms developed to predict the effect of missense changes on protein structure and function output the following: SIFT: "Tolerated"; PolyPhen-2: "Benign"; Align-GVGD: "Class C0". The valine amino acid residue is found in multiple mammalian species, which suggests that this missense change does not adversely affect protein function. In summary, the available evidence is currently insufficient to determine the role of this variant in disease. Therefore, it has been classified as a Variant of Uncertain Significance.